The following is an entry in ClinVar:

ClinVar aggregate classification (germline): Uncertain significance. Review status: criteria provided, multiple submitters, no conflicts (2 of 4 stars). 3 submissions from 3 submitters: Uncertain significance (3). Last evaluated 2026-09-15.

Conditions:
Inborn genetic diseases. Identifiers: MedGen C0950123, MeSH D030342.
Focal segmental glomerulosclerosis 5 (FSGS5). Identifiers: Orphanet 656, MedGen C2750475, MONDO:0013191, OMIM 613237.
Charcot-Marie-Tooth disease dominant intermediate E. Also called: CHARCOT-MARIE-TOOTH NEUROPATHY WITH FOCAL SEGMENTAL GLOMERULONEPHRITIS. Identifiers: Orphanet 93114, MedGen C4302667, MONDO:0013758, OMIM 614455.
INF2-related disorder. Also called: INF2-related condition.

Allele frequency attached by ClinVar (database versions not stated): gnomAD exomes below 0.00001; gnomAD 0.00001; TOPMed 0.00001; ESP Exome Variant Server 0.00008.
gnomAD v4.1: 3 of 1,605,320 alleles (0.00019%); highest among the groups gnomAD compares: Non-Finnish European, 0.00025%; no homozygotes.

Submissions (3):

PreventionGenetics, part of Exact Sciences
Classification: Uncertain significance for INF2-related condition. Last evaluated: 2026-09-15. Review status: criteria provided, single submitter. Criteria: ACMG Guidelines, 2015. Collection method: clinical testing. Allele origin: germline.
Comment: The INF2 c.1612A>G variant is predicted to result in the amino acid substitution p.Ile538Val. To our knowledge, this variant has not been reported in the literature. This variant is reported in 0.0066% of alleles in individuals of European (Non-Finnish) descent in gnomAD. At this time, the clinical significance of this variant is uncertain due to the absence of conclusive functional and genetic evidence.

Ambry Genetics
Classification: Uncertain significance for Inborn genetic diseases. Last evaluated: 2023-03-31. Review status: criteria provided, single submitter. Criteria: Ambry Variant Classification Scheme 2023. Collection method: clinical testing. Allele origin: germline.

Labcorp Genetics (formerly Invitae), Labcorp
Classification: Uncertain significance for Charcot-Marie-Tooth disease dominant intermediate E; Focal segmental glomerulosclerosis 5. Last evaluated: 2021-06-29. Review status: criteria provided, single submitter. Criteria: Invitae Variant Classification Sherloc (09022015). Collection method: clinical testing. Allele origin: germline.
Comment: In summary, the available evidence is currently insufficient to determine the role of this variant in disease. Therefore, it has been classified as a Variant of Uncertain Significance. Algorithms developed to predict the effect of missense changes on protein structure and function output the following: SIFT: "Tolerated"; PolyPhen-2: "Not Available"; Align-GVGD: "Class C0". The valine amino acid residue is found in multiple mammalian species, suggesting that this missense change does not adversely affect protein function. These predictions have not been confirmed by published functional studies and their clinical significance is uncertain. This variant has not been reported in the literature in individuals with INF2-related conditions. This variant is not present in population databases (ExAC no frequency). This sequence change replaces isoleucine with valine at codon 538 of the INF2 protein (p.Ile538Val). The isoleucine residue is moderately conserved and there is a small physicochemical difference between isoleucine and valine.

NM_022489.4(INF2):c.1612A>G (p.Ile538Val)

Gene: INF2 (inverted formin 2; plus strand). Cytogenetic location: 14q32.33.
Variant type: single nucleotide variant.
Coding change: c.1612A>G on transcript NM_022489.4 (MANE Select); coding-DNA position 1612, A replaced by G.
Protein change: p.Ile538Val; replaces isoleucine 538 with valine.
Molecular consequence: missense variant.
Genome position (GRCh38, 1-based): chr14:104,707,879, A>G. VCF-style: chr14-104707879-A-G. GRCh37 (hg19) VCF-style: chr14-105174216-A-G.
Other names: c.1612A>G, p.Ile538Val (NM_001031714.4); c.1612A>G (NM_022489.3); short protein forms I538V.
Identifiers: ClinVar variation 1366717 (VCV001366717.10), dbSNP rs377402690, ClinGen allele CA267323555.